The following is an entry in ClinVar:

NM_005228.5(EGFR):c.3518A>T (p.Gln1173Leu)

Gene: EGFR (epidermal growth factor receptor; plus strand). Cytogenetic location: 7p11.2.
Variant type: single nucleotide variant.
Coding change: c.3518A>T on transcript NM_005228.5 (MANE Select); coding-DNA position 3518, A replaced by T.
Protein change: p.Gln1173Leu; replaces glutamine 1173 with leucine.
Molecular consequence: missense variant.
Genome position (GRCh38, 1-based): chr7:55,205,502, A>T. VCF-style: chr7-55205502-A-T. GRCh37 (hg19) VCF-style: chr7-55273195-A-T.
Other names: c.3383A>T, p.Gln1128Leu (NM_001346899.2); c.3359A>T, p.Gln1120Leu (NM_001346900.2); c.2717A>T, p.Gln906Leu (NM_001346941.2); short protein forms Q906L, Q1120L, Q1128L, Q1173L.
Identifiers: ClinVar variation 3843858 (VCV003843858.1).

ClinVar aggregate classification (germline): Uncertain significance (1 of 4 stars; one submission).

Conditions:
Hereditary cancer-predisposing syndrome. Also called: Hereditary neoplastic syndrome; Neoplastic Syndromes, Hereditary; Tumor predisposition; Hereditary Cancer Syndrome. Identifiers: Orphanet 140162, MedGen C0027672, MeSH D009386, MONDO:0015356.

Submission:

Ambry Genetics
Classification: Uncertain significance for Hereditary cancer-predisposing syndrome. Last evaluated: 2025-03-14. Review status: criteria provided, single submitter. Criteria: Ambry Variant Classification Scheme 2023. Collection method: clinical testing. Allele origin: germline.
Comment: The p.Q1173L variant (also known as c.3518A>T), located in coding exon 28 of the EGFR gene, results from an A to T substitution at nucleotide position 3518. The glutamine at codon 1173 is replaced by leucine, an amino acid with dissimilar properties. This amino acid position is conserved. In addition, this alteration is predicted to be tolerated by in silico analysis. Based on the available evidence, the clinical significance of this variant remains unclear.